The following is an entry in ClinVar:

ClinVar aggregate classification (germline): Uncertain significance (1 of 4 stars; one submission).

gnomAD v4.1: 1 of 1,205,253 alleles (0.000083%); highest among the groups gnomAD compares: African/African-American, 0.0018%; no homozygotes.

Submission:

GeneDx
Classification: Uncertain significance. Last evaluated: 2024-02-01. Review status: criteria provided, single submitter. Criteria: GeneDx Variant Classification Process June 2021. Collection method: clinical testing. Allele origin: germline. Affected: yes.
Comment: Has not been previously published as pathogenic or benign to our knowledge; Not observed at a significant frequency in large population cohorts (gnomAD); In silico analysis supports that this missense variant does not alter protein structure/function

NM_005120.3(MED12):c.16A>C (p.Ile6Leu)

Gene: MED12 (mediator complex subunit 12; plus strand). Cytogenetic location: Xq13.1.
Variant type: single nucleotide variant.
Coding change: c.16A>C on transcript NM_005120.3 (MANE Select); coding-DNA position 16, A replaced by C.
Protein change: p.Ile6Leu; replaces isoleucine 6 with leucine.
Molecular consequence: missense variant.
Genome position (GRCh38, 1-based): chrX:71,118,770, A>C. VCF-style: chrX-71118770-A-C. GRCh37 (hg19) VCF-style: chrX-70338620-A-C.
Other names: short protein forms I6L.
Identifiers: ClinVar variation 3340806 (VCV003340806.1).